The following is an entry in ClinVar:

ClinVar aggregate classification (germline): Likely pathogenic (1 of 4 stars; one submission).

Conditions:
Hydrocephalus, nonsyndromic, autosomal recessive 1 (HYC1). Also called: Congenital hydrocephalus 1; Hydrocephalus, nonsyndromic, autosomal recessive. Identifiers: Orphanet 2185, MedGen C3887608, MONDO:0009360, OMIM 236600.

Submission:

Juno Genomics, Hangzhou Juno Genomics, Inc
Classification: Likely pathogenic for Hydrocephalus, nonsyndromic, autosomal recessive 1. Review status: criteria provided, single submitter. Criteria: ACMG Guidelines, 2015. Collection method: clinical testing. Allele origin: germline.
Comment: Null variant in a gene where loss of function (LOF) is a known mechanism of disease.;Absent from controls (or at extremely low frequency if recessive) in Genome Aggregation Database.

NM_001080414.4(CCDC88C):c.4460dup (p.Arg1489fs)

Gene: CCDC88C (coiled-coil and HOOK domain protein 88C; minus strand). Cytogenetic location: 14q32.11.
Variant type: Duplication.
Coding change: c.4460dup on transcript NM_001080414.4 (MANE Select); coding-DNA position 4460, one base duplicated (C; older notation c.4460dupC).
Protein change: p.Arg1489fs; shifts the reading frame from arginine 1489.
Molecular consequence: frameshift variant. On other transcripts: non-coding transcript variant (2).
Genome position (GRCh38, 1-based): chr14:91,283,499, G duplicated on the plus strand (C on the coding strand, the reverse complement: CCDC88C is on the minus strand); the first of 2 consecutive G bases (chr14:91,283,499-91,283,500); duplicating either gives the same sequence. VCF-style (leftmost placement, unchanged base first): chr14-91283498-T-TG. GRCh37 (hg19) VCF-style: chr14-91749842-T-TG.
Other names: short protein forms R1489fs.
Identifiers: ClinVar variation 5007906 (VCV005007906.2).